The following is an entry in ClinVar:

ClinVar aggregate classification (germline): Uncertain significance. Review status: criteria provided, multiple submitters, no conflicts (2 of 4 stars). 2 submissions from 2 submitters: Uncertain significance (2). Last evaluated 2025-06-03.

Conditions:
Cardiovascular phenotype. Identifiers: MedGen CN230736.
Progressive familial heart block type IB (PFHB1B). Identifiers: Orphanet 871, MedGen C1970298, MONDO:0011474, OMIM 604559.

Allele frequency attached by ClinVar (database versions not stated): gnomAD exomes below 0.00001.
gnomAD v4.1: 1 of 1,612,616 alleles (0.000062%); highest among the groups gnomAD compares: Admixed American, 0.0017%; no homozygotes.

Submissions (2):

Labcorp Genetics (formerly Invitae), Labcorp
Classification: Uncertain significance for Progressive familial heart block type IB. Last evaluated: 2025-06-03. Review status: criteria provided, single submitter. Criteria: Invitae Variant Classification Sherloc (09022015). Collection method: clinical testing. Allele origin: germline.
Comment: This sequence change replaces threonine, which is neutral and polar, with serine, which is neutral and polar, at codon 132 of the TRPM4 protein (p.Thr132Ser). This variant is present in population databases (no rsID available, gnomAD no frequency). This variant has not been reported in the literature in individuals affected with TRPM4-related conditions. ClinVar contains an entry for this variant (Variation ID: 1429177). An algorithm developed to predict the effect of missense changes on protein structure and function (PolyPhen-2) suggests that this variant is likely to be tolerated. In summary, the available evidence is currently insufficient to determine the role of this variant in disease. Therefore, it has been classified as a Variant of Uncertain Significance.

Ambry Genetics
Classification: Uncertain significance for Cardiovascular phenotype. Last evaluated: 2020-12-11. Review status: criteria provided, single submitter. Criteria: Ambry Variant Classification Scheme 2023. Collection method: clinical testing. Allele origin: germline.
Comment: The p.T132S variant (also known as c.395C>G), located in coding exon 4 of the TRPM4 gene, results from a C to G substitution at nucleotide position 395. The threonine at codon 132 is replaced by serine, an amino acid with similar properties. This amino acid position is not well conserved in available vertebrate species, and serine is the reference amino acid in other vertebrate species. In addition, this alteration is predicted to be tolerated by in silico analysis. Since supporting evidence is limited at this time, the clinical significance of this alteration remains unclear.

NM_017636.4(TRPM4):c.395C>G (p.Thr132Ser)

Gene: TRPM4 (transient receptor potential cation channel subfamily M member 4; plus strand). Cytogenetic location: 19q13.33.
Variant type: single nucleotide variant.
Coding change: c.395C>G on transcript NM_017636.4 (MANE Select); coding-DNA position 395, C replaced by G.
Protein change: p.Thr132Ser; replaces threonine 132 with serine.
Molecular consequence: missense variant. On other transcripts: intron variant (4).
Genome position (GRCh38, 1-based): chr19:49,168,044, C>G. VCF-style: chr19-49168044-C-G. GRCh37 (hg19) VCF-style: chr19-49671301-C-G.
Other names: c.395C>G, p.Thr132Ser (NM_001195227.2); c.-1105-216C>G (NM_001321282.2); c.268-509C>G (NM_001321281.2); c.-74-216C>G (NM_001321283.2); c.-237-509C>G (NM_001321285.2); short protein forms T132S.
Identifiers: ClinVar variation 1429177 (VCV001429177.8), dbSNP rs1008036777, ClinGen allele CA309430851.
Genomic context (GRCh38, chr19:49,168,044, plus strand): 5'-TCCGTGCCCCGAACCTGGTGGTGTCAGTGCTGGGGGGATCGGGGGGCCCCGTCCTCCAGA[C>G]CTGGCTGCAGGACCTGCTGCGTCGTGGGCTGGTGCGGGCTGCCCAGAGCACAGGTGACCG-3'
Protein context (NP_060106.2, residues 122-142): LGGSGGPVLQ[Thr132Ser]WLQDLLRRGL